The following is an entry in ClinVar:

ClinVar aggregate classification (germline): Uncertain significance. Review status: criteria provided, multiple submitters, no conflicts (2 of 4 stars). 2 submissions from 2 submitters: Uncertain significance (2). Last evaluated 2026-04-24.

Conditions:
Hereditary cancer-predisposing syndrome. Also called: Neoplastic Syndromes, Hereditary; Tumor predisposition; Hereditary Cancer Syndrome; Hereditary neoplastic syndrome. Identifiers: Orphanet 140162, MedGen C0027672, MeSH D009386, MONDO:0015356.

Submissions (2):

Ambry Genetics
Classification: Uncertain significance for Hereditary cancer-predisposing syndrome. Last evaluated: 2026-04-24. Review status: criteria provided, single submitter. Criteria: Ambry Variant Classification Scheme 2023. Collection method: clinical testing. Allele origin: germline.
Comment: The p.A472T variant (also known as c.1414G>A), located in coding exon 10 of the FH gene, results from a G to A substitution at nucleotide position 1414. The alanine at codon 472 is replaced by threonine, an amino acid with similar properties. This amino acid position is highly conserved in available vertebrate species. In addition, this alteration is predicted to be deleterious by in silico analysis. Based on the available evidence, the clinical significance of this variant remains unclear.

GeneDx
Classification: Uncertain significance. Last evaluated: 2022-10-24. Review status: criteria provided, single submitter. Criteria: GeneDx Variant Classification Process June 2021. Collection method: clinical testing. Allele origin: germline. Affected: yes.
Comment: Not observed at significant frequency in large population cohorts (gnomAD); In silico analysis supports that this missense variant has a deleterious effect on protein structure/function; Has not been previously published as pathogenic or benign to our knowledge

NM_000143.4(FH):c.1414G>A (p.Ala472Thr)

Gene: FH (fumarate hydratase; minus strand). Cytogenetic location: 1q43.
Variant type: single nucleotide variant.
Coding change: c.1414G>A on transcript NM_000143.4 (MANE Select); coding-DNA position 1414, G replaced by A.
Protein change: p.Ala472Thr; replaces alanine 472 with threonine.
Molecular consequence: missense variant.
Genome position (GRCh38, 1-based): chr1:241,497,947, C>T on the plus strand (G>A on the coding strand, the complement: FH is on the minus strand). VCF-style: chr1-241497947-C-T. GRCh37 (hg19) VCF-style: chr1-241661247-C-T.
Other names: short protein forms A472T.
Identifiers: ClinVar variation 2499936 (VCV002499936.4), dbSNP rs2527308604, ClinGen allele CA345450927.